The following is an entry in ClinVar:

NM_000343.4(SLC5A1):c.*706C>T

Gene: SLC5A1 (solute carrier family 5 member 1; plus strand). Cytogenetic location: 22q12.3.
Variant type: single nucleotide variant.
Coding change: c.*706C>T on transcript NM_000343.4 (MANE Select); 706 bases downstream of the stop codon, C replaced by T.
Molecular consequence: 3 prime UTR variant.
Genome position (GRCh38, 1-based): chr22:32,110,919, C>T. VCF-style: chr22-32110919-C-T. GRCh37 (hg19) VCF-style: chr22-32506906-C-T.
Other names: c.*706C>T (NM_001256314.2).
Identifiers: ClinVar variation 341275 (VCV000341275.6), dbSNP rs1056444, ClinGen allele CA10654039.
Genomic context (GRCh38, chr22:32,110,919, plus strand): 5'-GCAGATAGCCTGAATCCAGGGGATTTTCTGGGCTTCTTAAAATGTCCATTGTGAGTTCCC[C>T]GTGTTTGGGATTCCACTCATTTTGGCATTCACAGTGCCTGGAATGTCTTAGATTTTCAGC-3'

ClinVar aggregate classification (germline): Benign. Review status: criteria provided, multiple submitters, no conflicts (2 of 4 stars). 2 submissions from 2 submitters: Benign (2). Last evaluated 2018-01-13.

Conditions:
Congenital glucose-galactose malabsorption (GGM). Also called: MONOSACCHARIDE MALABSORPTION; DIARRHEA 16. Identifiers: Orphanet 35710, MedGen C0268186, MONDO:0011731, OMIM 606824.

Allele frequency attached by ClinVar (database versions not stated): gnomAD exomes 0.48780; gnomAD 0.58172 and 0.58787; TOPMed 0.58446; 1000 Genomes Project 0.58826; 1000 Genomes Project 30x 0.59400.
gnomAD v4.1: 88,782 of 153,132 alleles (58%); highest among the groups gnomAD compares: African/African-American, 84%; 27,899 homozygotes.

Submissions (2):

Illumina Laboratory Services, Illumina
Classification: Benign for Congenital glucose-galactose malabsorption. Last evaluated: 2018-01-13. Review status: criteria provided, single submitter. Criteria: ICSL Variant Classification Criteria 13 December 2019. Collection method: clinical testing. Allele origin: germline.
Comment: This variant was observed in the ICSL laboratory as part of a predisposition screen in an ostensibly healthy population. It had not been previously curated by ICSL or reported in the Human Gene Mutation Database (HGMD: prior to June 1st, 2018), and was therefore a candidate for classification through an automated scoring system. Utilizing variant allele frequency, disease prevalence and penetrance estimates, and inheritance mode, an automated score was calculated to assess if this variant is too frequent to cause the disease. Based on the score and internal cut-off values, a variant classified as benign is not then subjected to further curation. The score for this variant resulted in a classification of benign for this disease.

Breakthrough Genomics
Classification: Benign. Review status: criteria provided, single submitter. Criteria: ACMG Guidelines, 2015. Collection method: not provided. Allele origin: germline. Inheritance: Autosomal recessive inheritance. Affected: yes.